The following is an entry in ClinVar:

ClinVar aggregate classification (germline): Uncertain significance (1 of 4 stars; one submission).

Conditions:
Hereditary cancer-predisposing syndrome. Also called: Hereditary neoplastic syndrome; Tumor predisposition; Hereditary Cancer Syndrome; Neoplastic Syndromes, Hereditary. Identifiers: Orphanet 140162, MedGen C0027672, MeSH D009386, MONDO:0015356.

Submission:

Ambry Genetics
Classification: Uncertain significance for Hereditary cancer-predisposing syndrome. Last evaluated: 2025-11-23. Review status: criteria provided, single submitter. Criteria: Ambry Variant Classification Scheme 2023. Collection method: clinical testing. Allele origin: germline.
Comment: The p.I176M variant (also known as c.528T>G), located in coding exon 5 of the MRE11A gene, results from a T to G substitution at nucleotide position 528. The isoleucine at codon 176 is replaced by methionine, an amino acid with highly similar properties. This amino acid position is conserved. In addition, this alteration is predicted to be tolerated by in silico analysis. Since supporting evidence is limited at this time, the clinical significance of this alteration remains unclear.

NM_005591.4(MRE11):c.528T>G (p.Ile176Met)

Gene: MRE11 (MRE11 double strand break repair nuclease; minus strand). Cytogenetic location: 11q21.
Variant type: single nucleotide variant.
Coding change: c.528T>G on transcript NM_005591.4 (MANE Select); coding-DNA position 528, T replaced by G.
Protein change: p.Ile176Met; replaces isoleucine 176 with methionine.
Molecular consequence: missense variant.
Genome position (GRCh38, 1-based): chr11:94,478,751, A>C on the plus strand (T>G on the coding strand, the complement: MRE11 is on the minus strand). VCF-style: chr11-94478751-A-C. GRCh37 (hg19) VCF-style: chr11-94211917-A-C.
Other names: c.528T>G, p.Ile176Met (NM_001330347.2, NM_005590.4); short protein forms I176M.
Identifiers: ClinVar variation 2586218 (VCV002586218.3), dbSNP rs2135084818, ClinGen allele CA382377272.